The following is an entry in ClinVar:

ClinVar aggregate classification (germline): Uncertain significance (1 of 4 stars; one submission).

Conditions:
VDR-related disorder. Also called: VDR-related condition.

gnomAD v4.1: 22 of 1,613,706 alleles (0.0014%); highest among the groups gnomAD compares: Admixed American, 0.005%; no homozygotes.

Submission:

PreventionGenetics, part of Exact Sciences
Classification: Uncertain significance for VDR-related condition. Last evaluated: 2024-12-04. Review status: criteria provided, single submitter. Criteria: ACMG Guidelines, 2015. Collection method: clinical testing. Allele origin: germline.
Comment: The VDR c.248G>A variant is predicted to result in the amino acid substitution p.Arg83His. To our knowledge, this variant has not been reported in the literature. This variant is reported in 0.0026% of alleles in individuals of European (non-Finnish) descent in gnomAD. At this time, the clinical significance of this variant is uncertain due to the absence of conclusive functional and genetic evidence.

NM_000376.3(VDR):c.248G>A (p.Arg83His)

Gene: VDR (vitamin D receptor; minus strand). Cytogenetic location: 12q13.11.
Variant type: single nucleotide variant.
Coding change: c.248G>A on transcript NM_000376.3 (MANE Select); coding-DNA position 248, G replaced by A.
Protein change: p.Arg83His; replaces arginine 83 with histidine.
Molecular consequence: missense variant.
Genome position (GRCh38, 1-based): chr12:47,865,076, C>T on the plus strand (G>A on the coding strand, the complement: VDR is on the minus strand). VCF-style: chr12-47865076-C-T. GRCh37 (hg19) VCF-style: chr12-48258859-C-T.
Other names: c.248G>A, p.Arg83His (NM_001017535.2, NM_001364085.2, NM_001374661.1 and 1 more transcripts); c.398G>A, p.Arg133His (NM_001017536.2); short protein forms R83H, R133H.
Identifiers: ClinVar variation 4988236 (VCV004988236.1).